The following is an entry in ClinVar:

ClinVar aggregate classification (germline): Pathogenic/Likely pathogenic. Review status: criteria provided, multiple submitters, no conflicts (2 of 4 stars). 4 submissions from 4 submitters: Pathogenic (1); Likely pathogenic (2). 1 of the submissions does not count toward it. Last evaluated 2025-02-24.

Conditions:
CNGB3-related disorder. Also called: CNGB3-related disorders; CNGB3-related condition. Identifiers: MedGen CN239340.
Achromatopsia. Also called: Rod monochromatism. Identifiers: Orphanet 49382, MedGen C0152200, MONDO:0018852, HP:0011516.
Achromatopsia 3 (ACHM3). Also called: ACHROMATOPSIA WITH MYOPIA; PINGELAPESE BLINDNESS; TOTAL COLORBLINDNESS WITH MYOPIA; ROD MONOCHROMACY 1; ROD MONOCHROMATISM 1. Identifiers: Orphanet 49382, MedGen C1849792, MONDO:0009875, OMIM 262300.

Submissions (4):

Natera, Inc.
Classification: Likely pathogenic for Achromatopsia. Last evaluated: 2025-02-24. Review status: criteria provided, single submitter. Criteria: Natera Variant Classification Schema (03/2026). Collection method: clinical testing. Allele origin: germline.
Comment: The c.1937delT variant in CNGB3 is a frameshift variant predicted to shift the reading frame and introduce a stop codon. This variant is expected to result in nonsense mediated decay, truncation, or a dysfunctional protein product. This variant is rare in the general population with a frequency below the threshold expected for the associated phenotype(s). Given the available evidence, this variant is classified as Likely Pathogenic.

Labcorp Genetics (formerly Invitae), Labcorp
Classification: Pathogenic. Last evaluated: 2023-02-13. Review status: criteria provided, single submitter. Criteria: Invitae Variant Classification Sherloc (09022015). Collection method: clinical testing. Allele origin: germline.
Comment: For these reasons, this variant has been classified as Pathogenic. ClinVar contains an entry for this variant (Variation ID: 370089). This variant has not been reported in the literature in individuals affected with CNGB3-related conditions. This variant is present in population databases (rs745557293, gnomAD 0.01%). This sequence change creates a premature translational stop signal (p.Leu646*) in the CNGB3 gene. It is expected to result in an absent or disrupted protein product. Loss-of-function variants in CNGB3 are known to be pathogenic (PMID: 28795510).

Blueprint Genetics
Classification: Likely pathogenic for CNGB3-related disorders. Last evaluated: 2019-11-18. Review status: criteria provided, single submitter. Criteria: ACMG Guidelines, 2015. Collection method: clinical testing. Allele origin: germline. Affected: yes. Observed: 2 variant alleles.

Counsyl
Classification: Likely pathogenic for Achromatopsia 3. Last evaluated: 2015-11-18. Review status: no assertion criteria provided. Collection method: clinical testing. Allele origin: unknown. Not counted in ClinVar's aggregate classification.

Literature cited by the submitters: PubMed 28795510 (cited by Labcorp Genetics (formerly Invitae), Labcorp).

NM_019098.5(CNGB3):c.1937del (p.Leu645_Leu646insTer)

Gene: CNGB3 (cyclic nucleotide gated channel subunit beta 3; minus strand). Cytogenetic location: 8q21.3.
Variant type: Deletion.
Coding change: c.1937del on transcript NM_019098.5 (MANE Select); coding-DNA position 1937, one base deleted (T; older notation c.1937delT).
Protein change: p.Leu645_Leu646insTer.
Molecular consequence: nonsense.
Genome position (GRCh38, 1-based): chr8:86,578,855, A deleted on the plus strand (T on the coding strand, the reverse complement: CNGB3 is on the minus strand); the first of 4 consecutive A bases (chr8:86,578,855-86,578,858); deleting any one gives the same sequence. VCF-style (leftmost placement, unchanged base first): chr8-86578854-TA-T. GRCh37 (hg19) VCF-style: chr8-87591082-TA-T.
Other names: c.1937delT (NM_019098.4).
Identifiers: ClinVar variation 370089 (VCV000370089.9), dbSNP rs745557293, ClinGen allele CA4799839.